The following is an entry in ClinVar:

NM_016138.5(COQ7):c.15GGC[3] (p.Ala9del)

Genes: COQ7 (coenzyme Q7, hydroxylase; plus strand), COQ7-DT (COQ7 divergent transcript; minus strand), LOC130058587 (ATAC-STARR-seq lymphoblastoid silent region 7240; plus strand). Cytogenetic location: 16p12.3.
Variant type: Microsatellite.
Coding change: c.15GGC[3] on transcript NM_016138.5 (MANE Select); three copies in a row of the 3-base unit GGC starting at c.15; the reference has four copies in a row; one copy, 3 bases deleted.
Protein change: p.Ala9del; deletes alanine 9.
Molecular consequence: inframe deletion. On other transcripts: non-coding transcript variant (5).
Genome position (GRCh38, 1-based): chr16:19,067,688-19,067,690, GGC deleted; deleting any 3 consecutive bases within chr16:19,067,679-19,067,690 gives the same sequence; the position shown is the placement nearest the transcript's 3' end. VCF-style (leftmost placement, unchanged base first): chr16-19067678-GGGC-G. GRCh37 (hg19) VCF-style: chr16-19079000-GGGC-G.
Other names: c.15GGC[3], p.Ala9del (NM_001370490.1); short protein forms A9del.
Identifiers: ClinVar variation 2008503 (VCV002008503.1), dbSNP rs531281193, ClinGen allele CA621222852.

ClinVar aggregate classification (germline): Uncertain significance (1 of 4 stars; one submission).

Submission:

Labcorp Genetics (formerly Invitae), Labcorp
Classification: Uncertain significance. Last evaluated: 2022-07-06. Review status: criteria provided, single submitter. Criteria: Invitae Variant Classification Sherloc (09022015). Collection method: clinical testing. Allele origin: germline.
Comment: This variant, c.24_26del, results in the deletion of 1 amino acid(s) of the COQ7 protein (p.Ala9del), but otherwise preserves the integrity of the reading frame. The frequency data for this variant in the population databases is considered unreliable, as metrics indicate poor data quality at this position in the gnomAD database. This variant has not been reported in the literature in individuals affected with COQ7-related conditions. Experimental studies and prediction algorithms are not available or were not evaluated, and the functional significance of this variant is currently unknown. In summary, the available evidence is currently insufficient to determine the role of this variant in disease. Therefore, it has been classified as a Variant of Uncertain Significance.